The following is an entry in ClinVar:

NM_004456.5(EZH2):c.532C>G (p.Leu178Val)

Gene: EZH2 (enhancer of zeste 2 polycomb repressive complex 2 subunit; minus strand). Cytogenetic location: 7q36.1.
Variant type: single nucleotide variant.
Coding change: c.532C>G on transcript NM_004456.5 (MANE Select); coding-DNA position 532, C replaced by G.
Protein change: p.Leu178Val; replaces leucine 178 with valine.
Molecular consequence: missense variant.
Genome position (GRCh38, 1-based): chr7:148,828,833, G>C on the plus strand (C>G on the coding strand, the complement: EZH2 is on the minus strand). VCF-style: chr7-148828833-G-C. GRCh37 (hg19) VCF-style: chr7-148525925-G-C.
Other names: c.532C>G, p.Leu178Val (NM_001203247.2); c.505C>G, p.Leu169Val (NM_001203248.2, NM_001203249.2); c.415C>G, p.Leu139Val (NM_152998.3); short protein forms L139V, L169V, L178V.
Identifiers: ClinVar variation 1806182 (VCV001806182.1), dbSNP rs1808496609, ClinGen allele CA369720574.

ClinVar aggregate classification (germline): Uncertain significance (1 of 4 stars; one submission).

Conditions:
Weaver syndrome (WVS). Also called: Weaver Smith syndrome; Overgrowth syndrome with accelerated skeletal maturation, unusual facies, and camptodactyly. Identifiers: Orphanet 3447, MedGen C0265210, MONDO:0010193, OMIM 277590.

Allele frequency attached by ClinVar (database versions not stated): gnomAD 0.00001.
gnomAD v4.1: 6 of 1,612,716 alleles (0.00037%); highest among the groups gnomAD compares: Non-Finnish European, 0.00051%; no homozygotes.

Submission:

Victorian Clinical Genetics Services, Murdoch Childrens Research Institute
Classification: Uncertain significance for Weaver syndrome. Last evaluated: 2021-05-06. Review status: criteria provided, single submitter. Criteria: ACMG Guidelines, 2015. Collection method: clinical testing. Allele origin: germline. Inheritance: Autosomal dominant inheritance. Affected: yes.
Comment: Based on the classification scheme VCGS_Germline_v1.3.4, this variant is classified as VUS-3B. Following criteria are met: 0102 - Loss of function is a known mechanism of disease in this gene and is associated with Weaver syndrome (MIM#277590). (I) 0107 - This gene is associated with autosomal dominant disease. (I) 0200 - Variant is predicted to result in a missense amino acid change from leucine to valine. (I) 0251 - This variant is heterozygous. (I) 0302 - Variant is present in gnomAD (v3) <0.001 for a dominant condition (1 heterozygote, 0 homozygotes). (SP) 0502 - Missense variant with conflicting in silico predictions and uninformative conservation. (I) 0600 - Variant is located in the annotated polycomb repressive complex 2 tri-helical domain (NCBI, PDB). (I) 0705 - No comparable missense variants have previous evidence for pathogenicity. (I) 0807 - This variant has no previous evidence of pathogenicity. (I) 0905 - No published segregation evidence has been identified for this variant. (I) 1007 - No published functional evidence has been identified for this variant. (I) 1208 - Inheritance information for this variant is not currently available in this individual. (I) Legend: (SP) - Supporting pathogenic, (I) - Information, (SB) - Supporting benign